The following is an entry in ClinVar:

ClinVar aggregate classification (germline): Likely benign. Review status: criteria provided, multiple submitters, no conflicts (2 of 4 stars). 2 submissions from 2 submitters: Likely benign (2). Last evaluated 2025-12-05.

Conditions:
PRDM13-related disorder. Also called: PRDM13-related condition.

Allele frequency attached by ClinVar (database versions not stated): gnomAD 0.00003 and 0.00004; TOPMed 0.00004.
gnomAD v4.1: 13 of 1,593,188 alleles (0.00082%); highest among the groups gnomAD compares: African/African-American, 0.012%; no homozygotes.

Submissions (2):

PreventionGenetics, part of Exact Sciences
Classification: Likely benign for PRDM13-related condition. Last evaluated: 2025-12-05. Review status: criteria provided, single submitter. Criteria: ACMG Guidelines, 2015. Collection method: clinical testing. Allele origin: germline.
Comment: This variant is classified as likely benign based on ACMG/AMP sequence variant interpretation guidelines (Richards et al. 2015 PMID: 25741868, with internal and published modifications).

Labcorp Genetics (formerly Invitae), Labcorp
Classification: Likely benign. Last evaluated: 2023-10-13. Review status: criteria provided, single submitter. Criteria: Invitae Variant Classification Sherloc (09022015). Collection method: clinical testing. Allele origin: germline.

NM_021620.4(PRDM13):c.1323G>A (p.Pro441=)

Gene: PRDM13 (PR/SET domain 13; plus strand). Cytogenetic location: 6q16.2.
Variant type: single nucleotide variant.
Coding change: c.1323G>A on transcript NM_021620.4 (MANE Select); coding-DNA position 1323, G replaced by A.
Protein change: p.Pro441=; no amino-acid change (proline 441 retained).
Molecular consequence: synonymous variant.
Genome position (GRCh38, 1-based): chr6:99,613,958, G>A. VCF-style: chr6-99613958-G-A. GRCh37 (hg19) VCF-style: chr6-100061834-G-A.
Other names: c.1323G>A (NM_021620.3).
Identifiers: ClinVar variation 1472458 (VCV001472458.9), dbSNP rs769989460, ClinGen allele CA3936359.